The following is an entry in ClinVar:

NM_004565.3(PEX14):c.36+3A>G

Gene: PEX14 (peroxisomal biogenesis factor 14; plus strand). Cytogenetic location: 1p36.22.
Variant type: single nucleotide variant.
Coding change: c.36+3A>G on transcript NM_004565.3 (MANE Select); 3 bases into the intron after coding-DNA position 36, A replaced by G.
Molecular consequence: intron variant.
Genome position (GRCh38, 1-based): chr1:10,475,005, A>G. VCF-style: chr1-10475005-A-G. GRCh37 (hg19) VCF-style: chr1-10535062-A-G.
Identifiers: ClinVar variation 1481633 (VCV001481633.6), dbSNP rs2124356856, ClinGen allele CA2573130685.

ClinVar aggregate classification (germline): Uncertain significance (1 of 4 stars; one submission).

Conditions:
Peroxisome biogenesis disorder, complementation group K (CGK). Identifiers: MedGen C1866257, MONDO:0800365.

Submission:

Labcorp Genetics (formerly Invitae), Labcorp
Classification: Uncertain significance for Peroxisome biogenesis disorder, complementation group K. Last evaluated: 2022-08-31. Review status: criteria provided, single submitter. Criteria: Invitae Variant Classification Sherloc (09022015). Collection method: clinical testing. Allele origin: germline.
Comment: In summary, the available evidence is currently insufficient to determine the role of this variant in disease. Therefore, it has been classified as a Variant of Uncertain Significance. Variants that disrupt the consensus splice site are a relatively common cause of aberrant splicing (PMID: 17576681, 9536098). Algorithms developed to predict the effect of sequence changes on RNA splicing suggest that this variant may create or strengthen a splice site. ClinVar contains an entry for this variant (Variation ID: 1481633). This variant has not been reported in the literature in individuals affected with PEX14-related conditions. This variant is not present in population databases (gnomAD no frequency). This sequence change falls in intron 1 of the PEX14 gene. It does not directly change the encoded amino acid sequence of the PEX14 protein. It affects a nucleotide within the consensus splice site.

Literature cited by the submitters: PubMed 17576681; PubMed 9536098.